The following is an entry in ClinVar:

ClinVar aggregate classification (germline): Uncertain significance. Review status: criteria provided, multiple submitters, no conflicts (2 of 4 stars). 3 submissions from 3 submitters: Uncertain significance (3). Last evaluated 2025-06-17.

Conditions:
Malignant hyperthermia, susceptibility to, 1 (MHS1). Also called: RYR1-Related Malignant Hyperthermia Susceptibility; Anesthesia related hyperthermia; Malignant hyperpyrexia; Fulminating hyperpyrexia; Pharmacogenic myopathy; Malignant hyperthermia suceptibility 1. Identifiers: Orphanet 423, MedGen C2930980, MONDO:0007783, OMIM 145600.

Allele frequency attached by ClinVar (database versions not stated): gnomAD exomes below 0.00001; ExAC 0.00001; 1000 Genomes Project 30x 0.00016; 1000 Genomes Project 0.00020.
gnomAD v4.1: 4 of 1,606,746 alleles (0.00025%); highest among the groups gnomAD compares: East Asian, 0.0045%; no homozygotes.

Submissions (3):

Color Diagnostics, LLC DBA Color Health
Classification: Uncertain significance for Malignant hyperthermia, susceptibility to, 1. Last evaluated: 2025-06-17. Review status: criteria provided, single submitter. Criteria: ACMG Guidelines, 2015. Collection method: clinical testing. Allele origin: germline.
Comment: This missense variant replaces arginine with histidine at codon 2600 of the RYR1 protein. Computational prediction suggests that this variant may have deleterious impact on protein structure and function. To our knowledge, functional studies have not been reported for this variant. This variant has not been reported in individuals affected with RYR1-related disorders in the literature. This variant has been identified in 1/248402 chromosomes in the general population by the Genome Aggregation Database (gnomAD). The available evidence is insufficient to determine the role of this variant in disease conclusively. Therefore, this variant is classified as a Variant of Uncertain Significance.

GeneDx
Classification: Uncertain significance. Last evaluated: 2023-08-10. Review status: criteria provided, single submitter. Criteria: GeneDx Variant Classification Process June 2021. Collection method: clinical testing. Allele origin: germline. Affected: yes.
Comment: Not observed at a significant frequency in large population cohorts (gnomAD); In silico analysis, which includes protein predictors and evolutionary conservation, supports a deleterious effect; Has not been previously published as pathogenic or benign to our knowledge

All of Us Research Program, National Institutes of Health
Classification: Uncertain significance for Malignant hyperthermia, susceptibility to, 1. Last evaluated: 2022-11-28. Review status: criteria provided, single submitter. Criteria: ACMG Guidelines, 2015. Collection method: clinical testing. Allele origin: germline. Inheritance: Autosomal dominant inheritance. Observed: 1 variant allele, 1 heterozygote.
Comment: This study involves interpretation of variants in research participants for the purpose of population health screening. Participant phenotype was not available at the time of variant classification. Additional details can be found in publication PMID: 35346344, PMCID: PMC8962531

NM_000540.3(RYR1):c.7799G>A (p.Arg2600His)

Gene: RYR1 (ryanodine receptor 1; plus strand). Cytogenetic location: 19q13.2.
Variant type: single nucleotide variant.
Coding change: c.7799G>A on transcript NM_000540.3 (MANE Select); coding-DNA position 7799, G replaced by A.
Protein change: p.Arg2600His; replaces arginine 2600 with histidine.
Molecular consequence: missense variant.
Genome position (GRCh38, 1-based): chr19:38,502,691, G>A. VCF-style: chr19-38502691-G-A. GRCh37 (hg19) VCF-style: chr19-38993331-G-A.
Other names: c.7799G>A, p.Arg2600His (NM_001042723.2); short protein forms R2600H.
Identifiers: ClinVar variation 1309272 (VCV001309272.5), dbSNP rs201749008, ClinGen allele CA070297.